The following is an entry in ClinVar:

ClinVar aggregate classification (germline): Likely benign. Review status: criteria provided, multiple submitters, no conflicts (2 of 4 stars). 3 submissions from 3 submitters: Likely benign (2). 1 of the submissions does not count toward it. Last evaluated 2024-11-28.

Conditions:
SEMA6B-related disorder. Also called: SEMA6B-related condition.

Allele frequency attached by ClinVar (database versions not stated): 1000 Genomes Project 0.00020; TOPMed 0.00034; ESP Exome Variant Server 0.00046; ExAC 0.00053; gnomAD exomes 0.00055; gnomAD 0.00060; 1000 Genomes Project 30x 0.00016.

Submissions (3):

Blueprint Genetics
Classification: Likely benign. Last evaluated: 2024-11-28. Review status: criteria provided, single submitter. Criteria: ACMG Guidelines, 2015. Collection method: clinical testing. Allele origin: germline.

CeGaT Center for Human Genetics Tuebingen
Classification: Likely benign. Last evaluated: 2022-08-01. Review status: criteria provided, single submitter. Criteria: CeGaT Center For Human Genetics Tuebingen Variant Classification Criteria Version 2. Collection method: clinical testing. Allele origin: germline. Affected: yes. Observed: 1 variant allele.
Comment: SEMA6B: BP4, BP7

PreventionGenetics, part of Exact Sciences
Classification: Likely benign for SEMA6B-related condition. Last evaluated: 2019-05-28. Review status: no assertion criteria provided. Collection method: clinical testing. Allele origin: germline. Not counted in ClinVar's aggregate classification.
Comment: This variant is classified as likely benign based on ACMG/AMP sequence variant interpretation guidelines (Richards et al. 2015 PMID: 25741868, with internal and published modifications).

NM_032108.4(SEMA6B):c.654C>T (p.Thr218=)

Gene: SEMA6B (semaphorin 6B; minus strand). Cytogenetic location: 19p13.3.
Variant type: single nucleotide variant.
Coding change: c.654C>T on transcript NM_032108.4 (MANE Select); coding-DNA position 654, C replaced by T.
Protein change: p.Thr218=; no amino-acid change (threonine 218 retained).
Molecular consequence: synonymous variant.
Genome position (GRCh38, 1-based): chr19:4,555,004, G>A on the plus strand (C>T on the coding strand, the complement: SEMA6B is on the minus strand). VCF-style: chr19-4555004-G-A. GRCh37 (hg19) VCF-style: chr19-4555016-G-A.
Other names: c.654C>T (NM_032108.3).
Identifiers: ClinVar variation 2649077 (VCV002649077.26), dbSNP rs139071474, ClinGen allele CA9102798.